The following is an entry in ClinVar:

ClinVar aggregate classification (germline): Uncertain significance (1 of 4 stars; one submission).

Submission:

GeneDx
Classification: Uncertain significance. Last evaluated: 2025-02-06. Review status: criteria provided, single submitter. Criteria: GeneDx Variant Classification Process June 2021. Collection method: clinical testing. Allele origin: germline. Affected: yes.
Comment: Not observed at significant frequency in large population cohorts (gnomAD); In silico analysis indicates that this variant does not alter splicing; Has not been previously published as pathogenic or benign to our knowledge

NM_144773.4(PROKR2):c.178C>T (p.Leu60=)

Gene: PROKR2 (prokineticin receptor 2; minus strand). Cytogenetic location: 20p12.3.
Variant type: single nucleotide variant.
Coding change: c.178C>T on transcript NM_144773.4 (MANE Select); coding-DNA position 178, C replaced by T.
Protein change: p.Leu60=; no amino-acid change (leucine 60 retained).
Molecular consequence: synonymous variant.
Genome position (GRCh38, 1-based): chr20:5,314,192, G>A on the plus strand (C>T on the coding strand, the complement: PROKR2 is on the minus strand). VCF-style: chr20-5314192-G-A. GRCh37 (hg19) VCF-style: chr20-5294838-G-A.
Identifiers: ClinVar variation 4074569 (VCV004074569.1).